The following is an entry in ClinVar:

ClinVar aggregate classification (germline): Likely pathogenic (1 of 4 stars; one submission).

Conditions:
Severe growth deficiency-strabismus-extensive dermal melanocytosis-intellectual disability syndrome (NEDMIGS). Also called: NEURODEVELOPMENTAL DISORDER WITH MICROCEPHALY AND GRAY SCLERAE. Identifiers: Orphanet 488627, MedGen C4310745, MONDO:0014886, OMIM 617051.

Allele frequency attached by ClinVar (database versions not stated): gnomAD exomes below 0.00001; gnomAD 0.00001; TOPMed 0.00001.
gnomAD v4.1: 2 of 1,613,968 alleles (0.00012%); highest among the groups gnomAD compares: Non-Finnish European, 0.00017%; no homozygotes.

Submission:

Centre for Mendelian Genomics, University Medical Centre Ljubljana
Classification: Likely pathogenic for Severe growth deficiency-strabismus-extensive dermal melanocytosis-intellectual disability syndrome. Last evaluated: 2019-03-25. Review status: criteria provided, single submitter. Criteria: ACMG Guidelines, 2015. Collection method: clinical testing. Allele origin: unknown. Affected: yes.
Comment: This variant was classified as: Likely pathogenic. The following ACMG criteria were applied in classifying this variant: PVS1,PM2.

NM_031307.4(PUS3):c.1048C>T (p.Gln350Ter)

Genes: HYLS1 (HYLS1 centriolar and ciliogenesis associated; plus strand), PUS3 (pseudouridine synthase 3; minus strand). Cytogenetic location: 11q24.2.
Variant type: single nucleotide variant.
Coding change: c.1048C>T on transcript NM_031307.4 (MANE Select); coding-DNA position 1048, C replaced by T.
Protein change: p.Gln350Ter; replaces glutamine 350 with a stop codon.
Molecular consequence: nonsense. On other transcripts: intron variant (5).
Genome position (GRCh38, 1-based): chr11:125,894,183, G>A on the plus strand (C>T on the coding strand, the complement: PUS3 is on the minus strand). VCF-style: chr11-125894183-G-A. GRCh37 (hg19) VCF-style: chr11-125764078-G-A.
Other names: c.424C>T, p.Gln142Ter (NM_001271985.2); c.-81+2711G>A (NM_145014.3); c.-26+2711G>A (NM_001134793.2); c.-23+2711G>A (NM_001424364.1); c.-25-5161G>A (NM_001377269.1); c.-22-5164G>A (NM_001377270.1); short protein forms Q350*, Q142*.
Identifiers: ClinVar variation 930377 (VCV000930377.3), dbSNP rs1023270270, ClinGen allele CA230551166.
Genomic context (GRCh38, chr11:125,894,183, plus strand): 5'-CCAGTCCTTGTAGCATACTATACAACATGTGAGTTTTGACAGCATGATTAGCCCACAGTT[G>A]TTGTAGGTGGGTAATATTGAACTCCTGAGCCTCCTGGTCATAGATCCACTTGACATTTTC-3'